The following is an entry in ClinVar:

ClinVar aggregate classification (germline): Likely pathogenic (1 of 4 stars; one submission).

Conditions:
Gabriele de Vries syndrome. Identifiers: Orphanet 506358, MedGen C4479652, MONDO:0044738, OMIM 617557.

Submission:

Laboratory of Human Genetics, Universidade de São Paulo
Classification: Likely pathogenic for Gabriele de Vries syndrome. Last evaluated: 2025-11-14. Review status: criteria provided, single submitter. Criteria: ACMG Guidelines, 2015. Collection method: research. Allele origin: de novo. Inheritance: Autosomal dominant inheritance. Affected: yes. Observed: 1 heterozygote.
Comment: YY1 pathogenic variants are known to cause Gabriele-de Vries syndrome, a rare autosomal dominant neurodevelopmental disorder. It is absent in both parents (paternity and maternity assumed). The proband’s clinical features are consistent with the phenotypic spectrum of Gabriele-de Vries syndrome. PM1: The altered amino acid residue is located in a region between two zinc finger motifs, a functionally important DNA binding domain where various pathogenic missense variants have been reported. PM2: This variant is absent in the literature and in population databases, such as gnomAD. PP2: In Gabriele-de Vries syndrome, missense mutations constitute a common mechanism of disease. PP3: In-silico predictions support a deleterious effect on the gene (AlphaMissense score: 0.989). Therefore, the variant meets the ACMG criteria PM1 (Pathogenic Supporting), PM2 (Pathogenic Moderate), PM6 (Pathogenic Moderate), PP2 (Pathogenic Supporting), and PP3 (Pathogenic Moderate) and was classified as Likely Pathogenic.

NM_003403.5(YY1):c.1043C>T (p.Thr348Ile)

Gene: YY1 (YY1 transcription factor; plus strand). Cytogenetic location: 14q32.2.
Variant type: single nucleotide variant.
Coding change: c.1043C>T on transcript NM_003403.5 (MANE Select); coding-DNA position 1043, C replaced by T.
Protein change: p.Thr348Ile; replaces threonine 348 with isoleucine.
Molecular consequence: missense variant.
Genome position (GRCh38, 1-based): chr14:100,276,629, C>T. VCF-style: chr14-100276629-C-T. GRCh37 (hg19) VCF-style: chr14-100742966-C-T.
Other names: short protein forms T348I.
Identifiers: ClinVar variation 4530027 (VCV004530027.1).